The following is an entry in ClinVar:

NM_001253697.2(ERBIN):c.1223C>T (p.Pro408Leu)

Gene: ERBIN (erbb2 interacting protein; plus strand). Cytogenetic location: 5q12.3.
Variant type: single nucleotide variant.
Coding change: c.1223C>T on transcript NM_001253697.2 (MANE Select); coding-DNA position 1223, C replaced by T.
Protein change: p.Pro408Leu; replaces proline 408 with leucine.
Molecular consequence: missense variant.
Genome position (GRCh38, 1-based): chr5:66,038,399, C>T. VCF-style: chr5-66038399-C-T. GRCh37 (hg19) VCF-style: chr5-65334227-C-T.
Other names: c.1223C>T, p.Pro408Leu (NM_001006600.3, NM_001253698.2, NM_001253699.2 and 2 more transcripts); short protein forms P408L.
Identifiers: ClinVar variation 1965027 (VCV001965027.5), dbSNP rs376950893, ClinGen allele CA3286201.
Genomic context (GRCh38, chr5:66,038,399, plus strand): 5'-GCTTTAGGGTTATTGAAAATTAAGCATTTATTTTCCTTCTCTAGTCCAAACCCCTGATAC[C>T]TCTTCAAAAAGAAACTGATTCAGAGACCCAGAAAATGGTGCTTACCAACTACATGTTCCC-3'
Protein context (NP_001240626.1, residues 398-418): LSDNQSKPLI[Pro408Leu]LQKETDSETQ

ClinVar aggregate classification (germline): Uncertain significance (1 of 4 stars; one submission).

Allele frequency attached by ClinVar (database versions not stated): gnomAD 0.00001; ExAC 0.00002; TOPMed 0.00002; ESP Exome Variant Server 0.00015.
gnomAD v4.1: 53 of 1,611,008 alleles (0.0033%); highest among the groups gnomAD compares: Non-Finnish European, 0.0044%; no homozygotes.

Submission:

Labcorp Genetics (formerly Invitae), Labcorp
Classification: Uncertain significance. Last evaluated: 2023-07-28. Review status: criteria provided, single submitter. Criteria: Invitae Variant Classification Sherloc (09022015). Collection method: clinical testing. Allele origin: germline.
Comment: This sequence change replaces proline, which is neutral and non-polar, with leucine, which is neutral and non-polar, at codon 408 of the ERBIN protein (p.Pro408Leu). This variant is present in population databases (rs376950893, gnomAD 0.008%). This variant has not been reported in the literature in individuals affected with ERBIN-related conditions. ClinVar contains an entry for this variant (Variation ID: 1965027). An algorithm developed to predict the effect of missense changes on protein structure and function (PolyPhen-2) suggests that this variant is likely to be disruptive. In summary, the available evidence is currently insufficient to determine the role of this variant in disease. Therefore, it has been classified as a Variant of Uncertain Significance.